The following is an entry in ClinVar:

ClinVar aggregate classification (germline): Uncertain significance (1 of 4 stars; one submission).

Conditions:
Hereditary nonpolyposis colorectal neoplasms. Identifiers: MedGen C0009405, MeSH D003123.

Submission:

Labcorp Genetics (formerly Invitae), Labcorp
Classification: Uncertain significance for Hereditary nonpolyposis colorectal neoplasms. Last evaluated: 2025-03-26. Review status: criteria provided, single submitter. Criteria: Invitae Variant Classification Sherloc (09022015). Collection method: clinical testing. Allele origin: germline.
Comment: This sequence change replaces glutamic acid, which is acidic and polar, with lysine, which is basic and polar, at codon 785 of the PMS2 protein (p.Glu785Lys). The frequency data for this variant in the population databases (gnomAD) is considered unreliable due to the presence of homologous sequence, such as pseudogenes or paralogs, in the genome. This variant has not been reported in the literature in individuals affected with PMS2-related conditions. Invitae Evidence Modeling incorporating data from in vitro experimental studies (internal data) indicates that this missense variant is not expected to disrupt PMS2 function with a negative predictive value of 95%. In summary, the available evidence is currently insufficient to determine the role of this variant in disease. Therefore, it has been classified as a Variant of Uncertain Significance.

NM_000535.7(PMS2):c.2353G>A (p.Glu785Lys)

Gene: PMS2 (PMS1 homolog 2, mismatch repair system component; minus strand). Cytogenetic location: 7p22.1.
Variant type: single nucleotide variant.
Coding change: c.2353G>A on transcript NM_000535.7 (MANE Select); coding-DNA position 2353, G replaced by A.
Protein change: p.Glu785Lys; replaces glutamic acid 785 with lysine.
Molecular consequence: missense variant. On other transcripts: non-coding transcript variant (1).
Genome position (GRCh38, 1-based): chr7:5,977,680, C>T on the plus strand (G>A on the coding strand, the complement: PMS2 is on the minus strand). VCF-style: chr7-5977680-C-T. GRCh37 (hg19) VCF-style: chr7-6017311-C-T.
Other names: c.1948G>A, p.Glu650Lys (NM_001322003.2, NM_001322004.2, NM_001322005.2 and 11 more transcripts); c.2197G>A, p.Glu733Lys (NM_001322006.2); c.2035G>A, p.Glu679Lys (NM_001322007.2, NM_001322008.2, NM_001406883.1); c.1981G>A, p.Glu661Lys (NM_001322009.2, NM_001406887.1, NM_001406888.1); c.1792G>A, p.Glu598Lys (NM_001322010.2, NM_001406906.1, NM_001406907.1); c.1420G>A, p.Glu474Lys (NM_001322011.2, NM_001322012.2); c.1780G>A, p.Glu594Lys (NM_001322013.2, NM_001406908.1, NM_001406909.1); c.2386G>A, p.Glu796Lys (NM_001322014.2); and 20 more; short protein forms E474K, E546K, E690K, E796K, E528K, E614K, E630K, E682K.
Identifiers: ClinVar variation 4710970 (VCV004710970.1).